The following is an entry in ClinVar:

NM_014915.3(ANKRD26):c.4396G>C (p.Glu1466Gln)

Gene: ANKRD26 (ankyrin repeat domain 26; minus strand). Cytogenetic location: 10p12.1.
Variant type: single nucleotide variant.
Coding change: c.4396G>C on transcript NM_014915.3 (MANE Select); coding-DNA position 4396, G replaced by C.
Protein change: p.Glu1466Gln; replaces glutamic acid 1466 with glutamine.
Molecular consequence: missense variant.
Genome position (GRCh38, 1-based): chr10:27,017,612, C>G on the plus strand (G>C on the coding strand, the complement: ANKRD26 is on the minus strand). VCF-style: chr10-27017612-C-G. GRCh37 (hg19) VCF-style: chr10-27306541-C-G.
Other names: c.4393G>C, p.Glu1465Gln (NM_001256053.2); short protein forms E1466Q, E1465Q.
Identifiers: ClinVar variation 3688422 (VCV003688422.3).

ClinVar aggregate classification (germline): Uncertain significance. Review status: criteria provided, multiple submitters, no conflicts (2 of 4 stars). 2 submissions from 2 submitters: Uncertain significance (2). Last evaluated 2025-05-23.

Conditions:
Inborn genetic diseases. Identifiers: MedGen C0950123, MeSH D030342.

gnomAD v4.1: 4 of 1,613,634 alleles (0.00025%); highest among the groups gnomAD compares: East Asian, 0.0089%; no homozygotes.

Submissions (2):

Ambry Genetics
Classification: Uncertain significance for Inborn genetic diseases. Last evaluated: 2025-05-23. Review status: criteria provided, single submitter. Criteria: Ambry Variant Classification Scheme 2023. Collection method: clinical testing. Allele origin: germline.
Comment: The p.E1466Q variant (also known as c.4396G>C), located in coding exon 30 of the ANKRD26 gene, results from a G to C substitution at nucleotide position 4396. The glutamic acid at codon 1466 is replaced by glutamine, an amino acid with highly similar properties. This amino acid position is conserved. In addition, this alteration is predicted to be tolerated by in silico analysis. Based on the available evidence, the clinical significance of this variant remains unclear.

Labcorp Genetics (formerly Invitae), Labcorp
Classification: Uncertain significance. Last evaluated: 2024-07-10. Review status: criteria provided, single submitter. Criteria: Invitae Variant Classification Sherloc (09022015). Collection method: clinical testing. Allele origin: germline.
Comment: This sequence change replaces glutamic acid, which is acidic and polar, with glutamine, which is neutral and polar, at codon 1466 of the ANKRD26 protein (p.Glu1466Gln). This variant is not present in population databases (gnomAD no frequency). This variant has not been reported in the literature in individuals affected with ANKRD26-related conditions. An algorithm developed to predict the effect of missense changes on protein structure and function (PolyPhen-2) suggests that this variant is likely to be disruptive. In summary, the available evidence is currently insufficient to determine the role of this variant in disease. Therefore, it has been classified as a Variant of Uncertain Significance.